The following is an entry in ClinVar:

ClinVar aggregate classification (germline): Uncertain significance. Review status: criteria provided, multiple submitters, no conflicts (2 of 4 stars). 2 submissions from 2 submitters: Uncertain significance (2). Last evaluated 2025-04-10.

Conditions:
Bethlem myopathy 1A. Also called: MYOPATHY, BENIGN CONGENITAL, WITH CONTRACTURES; Bethlem myopathy 1; Bethlem Muscular Dystrophy. Identifiers: Orphanet 610, MedGen CN029274, MONDO:0024530, OMIM 158810.

gnomAD v4.1: 2 of 1,613,698 alleles (0.00012%); highest among the groups gnomAD compares: East Asian, 0.0022%; no homozygotes.

Submissions (2):

GeneDx
Classification: Uncertain significance. Last evaluated: 2025-04-10. Review status: criteria provided, single submitter. Criteria: GeneDx Variant Classification Process June 2021. Collection method: clinical testing. Allele origin: germline. Affected: yes.
Comment: In silico analysis supports that this missense variant has a deleterious effect on protein structure/function; Has not been previously published as pathogenic or benign to our knowledge

Labcorp Genetics (formerly Invitae), Labcorp
Classification: Uncertain significance for Bethlem myopathy 1A. Last evaluated: 2024-06-22. Review status: criteria provided, single submitter. Criteria: Invitae Variant Classification Sherloc (09022015). Collection method: clinical testing. Allele origin: germline.
Comment: This sequence change replaces glycine, which is neutral and non-polar, with valine, which is neutral and non-polar, at codon 1131 of the COL6A3 protein (p.Gly1131Val). This variant is present in population databases (rs769494656, gnomAD 0.006%). This variant has not been reported in the literature in individuals affected with COL6A3-related conditions. Advanced modeling of protein sequence and biophysical properties (such as structural, functional, and spatial information, amino acid conservation, physicochemical variation, residue mobility, and thermodynamic stability) performed at Invitae indicates that this missense variant is expected to disrupt COL6A3 protein function with a positive predictive value of 80%. In summary, the available evidence is currently insufficient to determine the role of this variant in disease. Therefore, it has been classified as a Variant of Uncertain Significance.

NM_004369.4(COL6A3):c.3392G>T (p.Gly1131Val)

Gene: COL6A3 (collagen type VI alpha 3 chain; minus strand). Cytogenetic location: 2q37.3.
Variant type: single nucleotide variant.
Coding change: c.3392G>T on transcript NM_004369.4 (MANE Select); coding-DNA position 3392, G replaced by T.
Protein change: p.Gly1131Val; replaces glycine 1131 with valine.
Molecular consequence: missense variant.
Genome position (GRCh38, 1-based): chr2:237,374,699, C>A on the plus strand (G>T on the coding strand, the complement: COL6A3 is on the minus strand). VCF-style: chr2-237374699-C-A. GRCh37 (hg19) VCF-style: chr2-238283342-C-A.
Other names: c.2171G>T, p.Gly724Val (NM_057164.5); c.2774G>T, p.Gly925Val (NM_057165.5, NM_057167.4); c.1571G>T, p.Gly524Val (NM_057166.5); short protein forms G524V, G724V, G1131V, G925V.
Identifiers: ClinVar variation 3716424 (VCV003716424.3).